The following is an entry in ClinVar:

ClinVar aggregate classification (germline): Uncertain significance (1 of 4 stars; one submission).

Submission:

Labcorp Genetics (formerly Invitae), Labcorp
Classification: Uncertain significance. Last evaluated: 2023-04-25. Review status: criteria provided, single submitter. Criteria: Invitae Variant Classification Sherloc (09022015). Collection method: clinical testing. Allele origin: germline.
Comment: In summary, the available evidence is currently insufficient to determine the role of this variant in disease. Therefore, it has been classified as a Variant of Uncertain Significance. Advanced modeling of protein sequence and biophysical properties (such as structural, functional, and spatial information, amino acid conservation, physicochemical variation, residue mobility, and thermodynamic stability) performed at Invitae indicates that this missense variant is not expected to disrupt FBXL4 protein function. This missense change has been observed in individual(s) with FBXL4-related conditions (Invitae). In at least one individual the data is consistent with being in trans (on the opposite chromosome) from a pathogenic variant. This variant is not present in population databases (gnomAD no frequency). This sequence change replaces alanine, which is neutral and non-polar, with aspartic acid, which is acidic and polar, at codon 501 of the FBXL4 protein (p.Ala501Asp).

NM_001278716.2(FBXL4):c.1502C>A (p.Ala501Asp)

Gene: FBXL4 (F-box and leucine rich repeat protein 4; minus strand). Cytogenetic location: 6q16.1.
Variant type: single nucleotide variant.
Coding change: c.1502C>A on transcript NM_001278716.2 (MANE Select); coding-DNA position 1502, C replaced by A.
Protein change: p.Ala501Asp; replaces alanine 501 with aspartic acid.
Molecular consequence: missense variant. On other transcripts: non-coding transcript variant (1).
Genome position (GRCh38, 1-based): chr6:98,875,615, G>T on the plus strand (C>A on the coding strand, the complement: FBXL4 is on the minus strand). VCF-style: chr6-98875615-G-T. GRCh37 (hg19) VCF-style: chr6-99323491-G-T.
Other names: c.1502C>A, p.Ala501Asp (NM_012160.5); short protein forms A501D.
Identifiers: ClinVar variation 2859193 (VCV002859193.3), dbSNP rs2534898651, ClinGen allele CA365087348.